The following is an entry in ClinVar:

NM_006005.3(WFS1):c.1538A>C (p.Tyr513Ser)

Gene: WFS1 (wolframin ER transmembrane glycoprotein; plus strand). Cytogenetic location: 4p16.1.
Variant type: single nucleotide variant.
Coding change: c.1538A>C on transcript NM_006005.3 (MANE Select); coding-DNA position 1538, A replaced by C.
Protein change: p.Tyr513Ser; replaces tyrosine 513 with serine.
Molecular consequence: missense variant.
Genome position (GRCh38, 1-based): chr4:6,301,333, A>C. VCF-style: chr4-6301333-A-C. GRCh37 (hg19) VCF-style: chr4-6303060-A-C.
Other names: p.Y513S:TAT>TCT; c.1538A>C, p.Tyr513Ser (NM_001145853.1); short protein forms Y513S.
Identifiers: ClinVar variation 215412 (VCV000215412.19), dbSNP rs544933961, ClinGen allele CA321251.

ClinVar aggregate classification (germline): Uncertain significance. Review status: criteria provided, multiple submitters, no conflicts (2 of 4 stars). 7 submissions from 6 submitters: Uncertain significance (7). Last evaluated 2026-08-14.

Conditions:
WFS1-related disorder. Identifiers: MedGen CN379391, MONDO:0700293.
WFS1-Related Spectrum Disorders.
Wolfram-like syndrome. Also called: HEARING LOSS, PROGRESSIVE, WITH OPTIC ATROPHY AND/OR IMPAIRED GLUCOSE REGULATION. Identifiers: Orphanet 411590, MedGen C3280358, MONDO:0013673, OMIM 614296.
Type 2 diabetes mellitus. Also called: Type II diabetes mellitus. Identifiers: MedGen C0011860, MeSH D003924, MONDO:0005148, OMIM 125853, HP:0005978.
Wolfram syndrome 1 (WFS1). Identifiers: Orphanet 3463, MedGen C4551693, MONDO:0009101, OMIM 222300.
Cataract 41 (CTRCT41). Also called: CATARACT 41, CONGENITAL NUCLEAR TYPE. Identifiers: Orphanet 91492, Orphanet 98991, Orphanet 98992, Orphanet 98995, MedGen C3805412, MONDO:0007287, OMIM 116400.
Autosomal dominant nonsyndromic hearing loss 6 (LFSNHL). Also called: DEAFNESS, AUTOSOMAL DOMINANT 6; DEAFNESS, AUTOSOMAL DOMINANT 14; DEAFNESS, AUTOSOMAL DOMINANT 38; Autosomal dominant nonsyndromic deafness 6. Identifiers: Orphanet 90635, MedGen C1833021, MONDO:0010963, OMIM 600965.

Allele frequency attached by ClinVar (database versions not stated): gnomAD 0.00003; TOPMed 0.00008; 1000 Genomes Project 0.00020; 1000 Genomes Project 30x 0.00031.
gnomAD v4.1: 90 of 1,611,822 alleles (0.0056%); highest among the groups gnomAD compares: East Asian, 0.0067%; no homozygotes.

Submissions (7):

GeneDx
Classification: Uncertain significance. Last evaluated: 2026-08-14. Review status: criteria provided, single submitter. Criteria: GeneDx Variant Classification Process June 2021. Collection method: clinical testing. Allele origin: germline.
Comment: Observed in heterozygous state in an infant with multiple congenital anomalies, bilateral hearing loss, developmental delay, and hypotonia who also had a missense variant in COL6A3 (PMID: 26284228); In silico analysis suggests that this missense variant does not alter protein structure/function; This variant is associated with the following publications: (PMID: 31264968, 24464595, 26284228)

PreventionGenetics, part of Exact Sciences
Classification: Uncertain significance for WFS1-related condition. Last evaluated: 2025-04-22. Review status: criteria provided, single submitter. Criteria: ACMG Guidelines, 2015. Collection method: clinical testing. Allele origin: germline.
Comment: The WFS1 c.1538A>C variant is predicted to result in the amino acid substitution p.Tyr513Ser. This variant was reported in an individual with hearing loss (Valencia et al. 2015. PubMed ID: 26284228) and in a study of patients with type 1 diabetes (Table S6, Yu et al. 2019. PubMed ID: 31264968). This variant is reported in 0.010% of alleles in individuals of East Asian descent in gnomAD. At this time, the clinical significance of this variant is uncertain due to the absence of conclusive functional and genetic evidence.

Labcorp Genetics (formerly Invitae), Labcorp
Classification: Uncertain significance. Last evaluated: 2024-12-12. Review status: criteria provided, single submitter. Criteria: Invitae Variant Classification Sherloc (09022015). Collection method: clinical testing. Allele origin: germline.
Comment: This sequence change replaces tyrosine, which is neutral and polar, with serine, which is neutral and polar, at codon 513 of the WFS1 protein (p.Tyr513Ser). This variant is present in population databases (rs544933961, gnomAD 0.01%). This missense change has been observed in individual(s) with WFS1-related conditions (PMID: 26284228, 31264968). ClinVar contains an entry for this variant (Variation ID: 215412). Invitae Evidence Modeling of protein sequence and biophysical properties (such as structural, functional, and spatial information, amino acid conservation, physicochemical variation, residue mobility, and thermodynamic stability) has been performed for this missense variant. However, the output from this modeling did not meet the statistical confidence thresholds required to predict the impact of this variant on WFS1 protein function. In summary, the available evidence is currently insufficient to determine the role of this variant in disease. Therefore, it has been classified as a Variant of Uncertain Significance.

Fulgent Genetics
Classification: Uncertain significance for Cataract 41; Type 2 diabetes mellitus; Wolfram syndrome 1; Autosomal dominant nonsyndromic hearing loss 6; Wolfram-like syndrome. Last evaluated: 2022-02-03. Review status: criteria provided, single submitter. Criteria: ACMG Guidelines, 2015. Collection method: clinical testing. Allele origin: unknown.

Illumina Laboratory Services, Illumina
Classification: Uncertain significance for WFS1-Related Spectrum Disorders. Last evaluated: 2017-04-27. Review status: criteria provided, single submitter. Criteria: ICSL Variant Classification Criteria 13 December 2019. Collection method: clinical testing. Allele origin: germline.

Illumina Laboratory Services, Illumina
Classification: Uncertain significance for Autosomal dominant nonsyndromic hearing loss 6. Last evaluated: 2017-04-27. Review status: criteria provided, single submitter. Criteria: ICSL Variant Classification Criteria 13 December 2019. Collection method: clinical testing. Allele origin: germline.

Juno Genomics, Hangzhou Juno Genomics, Inc
Classification: Uncertain significance for Cataract 41; Type 2 diabetes mellitus; Autosomal dominant nonsyndromic hearing loss 6; Wolfram syndrome 1; Wolfram-like syndrome. Review status: criteria provided, single submitter. Criteria: ACMG Guidelines, 2015. Collection method: clinical testing. Allele origin: germline.
Comment: Absent from controls (or at extremely low frequency if recessive) in Genome Aggregation Database.;Multiple lines of computational evidence support a deleterious effect on the gene or gene product.;For recessive disorders, detected in trans with a pathogenic variant.

Literature cited by the submitters: PubMed 26284228 (cited by Labcorp Genetics (formerly Invitae), Labcorp); PubMed 31264968 (cited by Labcorp Genetics (formerly Invitae), Labcorp).